The following is an entry in ClinVar:

ClinVar aggregate classification (germline): Pathogenic (1 of 4 stars; one submission).

Conditions:
Angelman syndrome (AS). Also called: HAPPY PUPPET SYNDROME. Identifiers: Orphanet 72, MedGen C0162635, MONDO:0007113, OMIM 105830. Disease mechanism: loss of function. Inheritance: imprinting disorder, AS is caused by disruption of maternally imprinted UBE3A located within the 15q11.2-q13 Angelman syndrome/Prader-Willi syndrome (AS/PWS) region..

Submission:

Labcorp Genetics (formerly Invitae), Labcorp
Classification: Pathogenic for Angelman syndrome. Last evaluated: 2018-12-13. Review status: criteria provided, single submitter. Criteria: Invitae Variant Classification Sherloc (09022015). Collection method: clinical testing. Allele origin: germline.
Comment: For these reasons, this variant has been classified as Pathogenic. This variant disrupts the C-terminus of the UBE3A protein. Other variant(s) that disrupt this region (p.Ser830*) have been determined to be pathogenic (PMID: 25212744, Invitae). This suggests that variants that disrupt this region of the protein are likely to be causative of disease. This variant has not been reported in the literature in individuals with UBE3A-related conditions. This variant is not present in population databases (ExAC no frequency). This sequence change results in a premature translational stop signal in the UBE3A gene (p.Thr789Argfs*33). While this is not anticipated to result in nonsense mediated decay, it is expected to disrupt the last 64 amino acids of the UBE3A protein.

Literature cited by the submitters: PubMed 25212744.

NM_130839.5(UBE3A):c.2426_2427del (p.Thr809fs)

Genes: SNHG14 (small nucleolar RNA host gene 14; plus strand), UBE3A (ubiquitin protein ligase E3A; minus strand). Cytogenetic location: 15q11.2.
Variant type: Microsatellite.
Coding change: c.2426_2427del on transcript NM_130839.5 (MANE Select); coding-DNA positions 2426 to 2427, 2 bases deleted (CA; older notation c.2426_2427delCA).
Protein change: p.Thr809fs; shifts the reading frame from threonine 809.
Molecular consequence: frameshift variant. On other transcripts: non-coding transcript variant (1).
Genome position (GRCh38, 1-based): chr15:25,340,156-25,340,157, TG deleted on the plus strand (CA on the coding strand, the reverse complement: UBE3A is on the minus strand); deleting any 2 consecutive bases within chr15:25,340,156-25,340,159 gives the same sequence; the c. name uses the placement nearest the transcript's 3' end. VCF-style (leftmost placement, unchanged base first): chr15-25340155-CTG-C. GRCh37 (hg19) VCF-style: chr15-25585302-CTG-C.
Other names: c.2435_2436del, p.Thr812fs (NM_000462.5); c.2426_2427del, p.Thr809fs (NM_001354505.1, NM_001354538.2); c.2366_2367del, p.Thr789fs (NM_001354506.2, NM_001354507.2, NM_001354508.2 and 14 more transcripts); c.2270_2271del, p.Thr757fs (NM_001354545.2); c.2249_2250del, p.Thr750fs (NM_001354546.2); c.2210_2211del, p.Thr737fs (NM_001354547.2, NM_001354548.2); c.2201_2202del, p.Thr734fs (NM_001354549.2); c.1175_1176del, p.Thr392fs (NM_001354550.2); and 1 more; short protein forms T757fs, T372fs, T392fs, T734fs, T737fs, T750fs, T789fs, T809fs.
Identifiers: ClinVar variation 665896 (VCV000665896.8), dbSNP rs1595375630, ClinGen allele CA915946470.
Genomic context (GRCh38, chr15:25,340,155, plus strand): 5'-CTGGGCCATTTTTGGCTATAATCATCTTTAATTTTCCTAGTCCTCCCACAGGTGCTCTGT[CTG>C]TGCCCGTTGTAAACTGCAAGAAGAGTCTTTTCTGTTCATCTGTAAATGAATGAACGATTT-3'